The following is an entry in ClinVar:

NM_001854.4(COL11A1):c.158G>A (p.Gly53Glu)

Gene: COL11A1 (collagen type XI alpha 1 chain; minus strand). Cytogenetic location: 1p21.1.
Variant type: single nucleotide variant.
Coding change: c.158G>A on transcript NM_001854.4 (MANE Select); coding-DNA position 158, G replaced by A.
Protein change: p.Gly53Glu; replaces glycine 53 with glutamic acid.
Molecular consequence: missense variant. On other transcripts: non-coding transcript variant (1).
Genome position (GRCh38, 1-based): chr1:103,082,921, C>T on the plus strand (G>A on the coding strand, the complement: COL11A1 is on the minus strand). VCF-style: chr1-103082921-C-T. GRCh37 (hg19) VCF-style: chr1-103548477-C-T.
Other names: c.158G>A, p.Gly53Glu (NM_001190709.2, NM_080629.3, NM_080630.4); c.158G>A (NM_001854.3); short protein forms G53E.
Identifiers: ClinVar variation 1479575 (VCV001479575.10), dbSNP rs139542185, ClinGen allele CA975539.

ClinVar aggregate classification (germline): Conflicting classifications of pathogenicity. Review status: criteria provided, conflicting classifications (1 of 4 stars). 3 submissions from 3 submitters: Uncertain significance (2); Benign (1). Last evaluated 2025-08-03.

Conditions:
COL11A1-related disorder. Also called: COL11A1-related condition; COL11A1-related disorders.

Allele frequency attached by ClinVar (database versions not stated): gnomAD 0.00007 and 0.00009; TOPMed 0.00012; ESP Exome Variant Server 0.00023; gnomAD exomes 0.00001 and 0.00004; ExAC 0.00005.
gnomAD v4.1: 27 of 1,613,120 alleles (0.0017%); highest among the groups gnomAD compares: African/African-American, 0.023%; no homozygotes.

Submissions (3):

Labcorp Genetics (formerly Invitae), Labcorp
Classification: Benign. Last evaluated: 2025-08-03. Review status: criteria provided, single submitter. Criteria: Invitae Variant Classification Sherloc (09022015). Collection method: clinical testing. Allele origin: germline.

PreventionGenetics, part of Exact Sciences
Classification: Uncertain significance for COL11A1-related condition. Last evaluated: 2025-07-18. Review status: criteria provided, single submitter. Criteria: ACMG Guidelines, 2015. Collection method: clinical testing. Allele origin: germline.
Comment: The COL11A1 c.158G>A variant is predicted to result in the amino acid substitution p.Gly53Glu. To our knowledge, this variant has not been reported in the literature. This variant is reported in 0.048% of alleles in individuals of African descent in gnomAD. At this time, the clinical significance of this variant is uncertain due to the absence of conclusive functional and genetic evidence.

Blueprint Genetics
Classification: Uncertain significance. Last evaluated: 2024-09-03. Review status: criteria provided, single submitter. Criteria: ACMG Guidelines, 2015. Collection method: clinical testing. Allele origin: germline.